The following is an entry in ClinVar:

ClinVar aggregate classification (germline): Uncertain significance (1 of 4 stars; one submission).

Submission:

GeneDx
Classification: Uncertain significance. Last evaluated: 2024-05-13. Review status: criteria provided, single submitter. Criteria: GeneDx Variant Classification Process June 2021. Collection method: clinical testing. Allele origin: germline. Affected: yes.
Comment: Not observed at significant frequency in large population cohorts (gnomAD); In silico analysis supports that this missense variant has a deleterious effect on protein structure/function; Has not been previously published as pathogenic or benign to our knowledge

NM_013436.5(NCKAP1):c.1778A>G (p.Asp593Gly)

Gene: NCKAP1 (NCK associated protein 1; minus strand). Cytogenetic location: 2q32.1.
Variant type: single nucleotide variant.
Coding change: c.1778A>G on transcript NM_013436.5 (MANE Select); coding-DNA position 1778, A replaced by G.
Protein change: p.Asp593Gly; replaces aspartic acid 593 with glycine.
Molecular consequence: missense variant.
Genome position (GRCh38, 1-based): chr2:182,962,262, T>C on the plus strand (A>G on the coding strand, the complement: NCKAP1 is on the minus strand). VCF-style: chr2-182962262-T-C. GRCh37 (hg19) VCF-style: chr2-183826990-T-C.
Other names: c.1796A>G, p.Asp599Gly (NM_205842.3); short protein forms D593G, D599G.
Identifiers: ClinVar variation 3384415 (VCV003384415.1).